The following is an entry in ClinVar:

ClinVar aggregate classification (germline): Uncertain significance (1 of 4 stars; one submission).

Conditions:
Developmental and epileptic encephalopathy, 11 (DEE11). Also called: Early infantile epileptic encephalopathy 11. Identifiers: Orphanet 1934, MedGen C3150987, MONDO:0013388, OMIM 613721.
Seizures, benign familial infantile, 3 (BFIS3). Also called: CONVULSIONS, BENIGN FAMILIAL INFANTILE, 3; Familial neonatal seizures. Identifiers: Orphanet 140927, Orphanet 306, MedGen C1843140, MONDO:0011904, OMIM 607745.

Submission:

Labcorp Genetics (formerly Invitae), Labcorp
Classification: Uncertain significance for Seizures, benign familial infantile, 3; Developmental and epileptic encephalopathy, 11. Last evaluated: 2025-07-02. Review status: criteria provided, single submitter. Criteria: Invitae Variant Classification Sherloc (09022015). Collection method: clinical testing. Allele origin: germline.
Comment: This sequence change replaces glycine, which is neutral and non-polar, with glutamic acid, which is acidic and polar, at codon 481 of the SCN2A protein (p.Gly481Glu). This variant is not present in population databases (gnomAD no frequency). This variant has not been reported in the literature in individuals affected with SCN2A-related conditions. Invitae Evidence Modeling of protein sequence and biophysical properties (such as structural, functional, and spatial information, amino acid conservation, physicochemical variation, residue mobility, and thermodynamic stability) has been performed for this missense variant. However, the output from this modeling did not meet the statistical confidence thresholds required to predict the impact of this variant on SCN2A protein function. In summary, the available evidence is currently insufficient to determine the role of this variant in disease. Therefore, it has been classified as a Variant of Uncertain Significance.

NM_001040142.2(SCN2A):c.1442G>A (p.Gly481Glu)

Gene: SCN2A (sodium voltage-gated channel alpha subunit 2; plus strand). Cytogenetic location: 2q24.3.
Variant type: single nucleotide variant.
Coding change: c.1442G>A on transcript NM_001040142.2 (MANE Select); coding-DNA position 1442, G replaced by A.
Protein change: p.Gly481Glu; replaces glycine 481 with glutamic acid.
Molecular consequence: missense variant.
Genome position (GRCh38, 1-based): chr2:165,315,529, G>A. VCF-style: chr2-165315529-G-A. GRCh37 (hg19) VCF-style: chr2-166172039-G-A.
Other names: c.1442G>A, p.Gly481Glu (NM_001040143.2, NM_001371246.1, NM_001371247.1 and 1 more transcripts); short protein forms G481E.
Identifiers: ClinVar variation 4789336 (VCV004789336.1).